The following is an entry in ClinVar:

NM_000051.4(ATM):c.6453-3T>G

Genes: ATM (ATM serine/threonine kinase; plus strand), C11orf65 (chromosome 11 open reading frame 65; minus strand). Cytogenetic location: 11q22.3.
Variant type: single nucleotide variant.
Coding change: c.6453-3T>G on transcript NM_000051.4 (MANE Select); 3 bases into the intron before coding-DNA position 6453, T replaced by G.
Molecular consequence: intron variant.
Genome position (GRCh38, 1-based): chr11:108,321,298, T>G. VCF-style: chr11-108321298-T-G. GRCh37 (hg19) VCF-style: chr11-108192025-T-G.
Other names: c.6453-3T>G (NM_001351834.2); c.641-12227A>C (NM_001330368.2); c.*39-12227A>C (NM_001351110.2).
Identifiers: ClinVar variation 4866250 (VCV004866250.1).

ClinVar aggregate classification (germline): Uncertain significance (1 of 4 stars; one submission).

Conditions:
Hereditary cancer-predisposing syndrome. Also called: Tumor predisposition; Hereditary neoplastic syndrome; Hereditary Cancer Syndrome; Neoplastic Syndromes, Hereditary. Identifiers: Orphanet 140162, MedGen C0027672, MeSH D009386, MONDO:0015356.

Submission:

Ambry Genetics
Classification: Uncertain significance for Hereditary cancer-predisposing syndrome. Last evaluated: 2026-04-21. Review status: criteria provided, single submitter. Criteria: Ambry Variant Classification Scheme 2023. Collection method: clinical testing. Allele origin: germline.
Comment: The c.6453-3T>G intronic variant results from a T to G substitution 3 nucleotides before coding exon 44 in the ATM gene. This nucleotide position is well conserved in available vertebrate species. In silico splice site analysis predicts that this alteration will weaken the native splice acceptor site and may result in the creation or strengthening of a novel splice acceptor site. Based on the available evidence, the clinical significance of this variant remains unclear.